The following is an entry in ClinVar:

NM_004655.4(AXIN2):c.1263C>T (p.His421=)

Gene: AXIN2 (axin 2; minus strand). Cytogenetic location: 17q24.1.
Variant type: single nucleotide variant.
Coding change: c.1263C>T on transcript NM_004655.4 (MANE Select); coding-DNA position 1263, C replaced by T.
Protein change: p.His421=; no amino-acid change (histidine 421 retained).
Molecular consequence: synonymous variant.
Genome position (GRCh38, 1-based): chr17:65,537,773, G>A on the plus strand (C>T on the coding strand, the complement: AXIN2 is on the minus strand). VCF-style: chr17-65537773-G-A. GRCh37 (hg19) VCF-style: chr17-63533891-G-A.
Other names: c.1263C>T, p.His421= (NM_001363813.1).
Identifiers: ClinVar variation 750499 (VCV000750499.15), dbSNP rs763220028, ClinGen allele CA8718696.

ClinVar aggregate classification (germline): Benign/Likely benign. Review status: criteria provided, multiple submitters, no conflicts (2 of 4 stars). 4 submissions from 4 submitters: Benign (1); Likely benign (3). Last evaluated 2025-11-24.

Conditions:
Hereditary cancer-predisposing syndrome. Also called: Tumor predisposition; Hereditary neoplastic syndrome; Neoplastic Syndromes, Hereditary; Hereditary Cancer Syndrome. Identifiers: Orphanet 140162, MedGen C0027672, MeSH D009386, MONDO:0015356.
Oligodontia-cancer predisposition syndrome. Also called: TOOTH AGENESIS-COLORECTAL CANCER SYNDROME. Identifiers: Orphanet 300576, MedGen C1837750, MONDO:0012075, OMIM 608615. Disease mechanism: loss of function.

Allele frequency attached by ClinVar (database versions not stated): gnomAD below 0.00001 and 0.00002; TOPMed below 0.00001; gnomAD exomes 0.00002; ExAC 0.00007.
gnomAD v4.1: 15 of 1,586,794 alleles (0.00095%); highest among the groups gnomAD compares: South Asian, 0.015%; no homozygotes.

Submissions (4):

Labcorp Genetics (formerly Invitae), Labcorp
Classification: Likely benign for Oligodontia-cancer predisposition syndrome. Last evaluated: 2025-11-24. Review status: criteria provided, single submitter. Criteria: Invitae Variant Classification Sherloc (09022015). Collection method: clinical testing. Allele origin: germline.

Quest Diagnostics Nichols Institute San Juan Capistrano
Classification: Likely benign. Last evaluated: 2025-03-10. Review status: criteria provided, single submitter. Criteria: Quest Diagnostics criteria. Collection method: clinical testing. Allele origin: unknown.

Myriad Genetics, Inc.
Classification: Benign for Oligodontia-cancer predisposition syndrome. Last evaluated: 2024-07-02. Review status: criteria provided, single submitter. Criteria: Myriad Autosomal Dominant, Autosomal Recessive and X-Linked Classification Criteria (2023). Collection method: clinical testing. Allele origin: unknown.
Comment: This variant is considered benign. This variant is a silent/synonymous amino acid change and it is not expected to impact splicing.

Ambry Genetics
Classification: Likely benign for Hereditary cancer-predisposing syndrome. Last evaluated: 2019-09-18. Review status: criteria provided, single submitter. Criteria: Ambry Variant Classification Scheme 2023. Collection method: clinical testing. Allele origin: germline.